The following is an entry in ClinVar:

ClinVar aggregate classification (germline): Uncertain significance. Review status: criteria provided, multiple submitters, no conflicts (2 of 4 stars). 2 submissions from 2 submitters: Uncertain significance (2). Last evaluated 2025-10-28.

Allele frequency attached by ClinVar (database versions not stated): gnomAD 0.00001; gnomAD exomes 0.00001 and 0.00003; TOPMed 0.00002; ExAC 0.00002.

Submissions (2):

Ambry Genetics
Classification: Uncertain significance. Last evaluated: 2025-10-28. Review status: criteria provided, single submitter. Criteria: Ambry Variant Classification Scheme 2023. Collection method: clinical testing. Allele origin: germline.

Labcorp Genetics (formerly Invitae), Labcorp
Classification: Uncertain significance. Last evaluated: 2022-10-13. Review status: criteria provided, single submitter. Criteria: Invitae Variant Classification Sherloc (09022015). Collection method: clinical testing. Allele origin: germline.
Comment: This variant has not been reported in the literature in individuals affected with AHR-related conditions. In summary, the available evidence is currently insufficient to determine the role of this variant in disease. Therefore, it has been classified as a Variant of Uncertain Significance. Algorithms developed to predict the effect of missense changes on protein structure and function (SIFT, PolyPhen-2, Align-GVGD) all suggest that this variant is likely to be tolerated. ClinVar contains an entry for this variant (Variation ID: 939860). This variant is present in population databases (rs749896378, gnomAD 0.02%). This sequence change replaces valine, which is neutral and non-polar, with leucine, which is neutral and non-polar, at codon 632 of the AHR protein (p.Val632Leu).

NM_001621.5(AHR):c.1894G>T (p.Val632Leu)

Gene: AHR (aryl hydrocarbon receptor; plus strand). Cytogenetic location: 7p21.1.
Variant type: single nucleotide variant.
Coding change: c.1894G>T on transcript NM_001621.5 (MANE Select); coding-DNA position 1894, G replaced by T.
Protein change: p.Val632Leu; replaces valine 632 with leucine.
Molecular consequence: missense variant.
Genome position (GRCh38, 1-based): chr7:17,339,719, G>T. VCF-style: chr7-17339719-G-T. GRCh37 (hg19) VCF-style: chr7-17379343-G-T.
Other names: short protein forms V632L.
Identifiers: ClinVar variation 939860 (VCV000939860.8), dbSNP rs749896378, ClinGen allele CA4172201.